The following is an entry in ClinVar:

NM_000368.5(TSC1):c.1702_1703del (p.Gly568fs)

Gene: TSC1 (TSC complex subunit 1; minus strand). Cytogenetic location: 9q34.13.
Variant type: Deletion.
Coding change: c.1702_1703del on transcript NM_000368.5 (MANE Select); coding-DNA positions 1702 to 1703, 2 bases deleted (GG; older notation c.1702_1703delGG).
Protein change: p.Gly568fs; shifts the reading frame from glycine 568.
Molecular consequence: frameshift variant.
Genome position (GRCh38, 1-based): chr9:132,905,875-132,905,876, CC deleted on the plus strand (GG on the coding strand, the reverse complement: TSC1 is on the minus strand); deleting any 2 consecutive bases within chr9:132,905,875-132,905,877 gives the same sequence; the c. name uses the placement nearest the transcript's 3' end. VCF-style (leftmost placement, unchanged base first): chr9-132905874-TCC-T. GRCh37 (hg19) VCF-style: chr9-135781261-TCC-T.
Other names: c.1702_1703delGG (NM_000368.4); c.1699_1700del, p.Gly567fs (NM_001162426.2); c.1549_1550del, p.Gly517fs (NM_001162427.2); c.1339_1340del, p.Gly447fs (NM_001362177.2); short protein forms G447fs, G567fs, G568fs, G517fs.
Identifiers: ClinVar variation 422990 (VCV000422990.2), dbSNP rs397514777, ClinGen allele CA16618768.
Genomic context (GRCh38, chr9:132,905,874, plus strand): 5'-AATTTTACAAGGACTGGGAGTGAAGATACTGGTCTCCAAAGAAGTCTGGCATTCCCTGTC[TCC>T]CGCAGGGCTTTCATCAGCACTGCCGCAGGGCAGGTCTATGGGAGTAAAGGCTTGCTTTGG-3'

ClinVar aggregate classification (germline): Pathogenic (1 of 4 stars; one submission).

Submission:

GeneDx
Classification: Pathogenic. Last evaluated: 2017-01-12. Review status: criteria provided, single submitter. Criteria: GeneDx Variant Classification (06012015). Collection method: clinical testing. Allele origin: germline. Affected: yes.
Comment: The c.1702_1703delGG pathogenic variant in the TSC1 gene causes a frameshift starting with codon Glycine 568, changes this amino acid to an Arginine residue and creates a premature Stop codon at position 19 of the new reading frame, denoted p.Gly568ArgfsX19. This pathogenic variant is predicted to cause loss of normal protein function either through protein truncation or nonsense-mediated mRNA decay. Additionally, the c.1702_1703delGG variant is not observed in large population cohorts (Lek et al., 2016; 1000 Genomes Consortium et al., 2015; Exome Variant Server). Although this pathogenic variant has not been previously reported to our knowledge, the presence of c.1702_1703delGG is consistent with a diagnosis of tuberous sclerosis complex.